The following is an entry in ClinVar:

ClinVar aggregate classification (germline): Uncertain significance (1 of 4 stars; one submission).

Conditions:
Congenital myasthenic syndrome 20. Also called: Myasthenic syndrome, congenital, 20, presynaptic. Identifiers: MedGen C4310694, MONDO:0014939, OMIM 617143.
Neuronopathy, distal hereditary motor, type 7A. Also called: Neuronopathy, distal hereditary motor, type viia; NEURONOPATHY, DISTAL HEREDITARY MOTOR, HARDING TYPE VIIA; NEUROPATHY, DISTAL HEREDITARY MOTOR, HARDING TYPE VIIA; Neuronopathy, distal hereditary motor, autosomal dominant 7; HARPER-YOUNG MYOPATHY; HMN VIIA. Identifiers: Orphanet 139589, MedGen C1834703, MONDO:0008024, OMIM 158580.

Allele frequency attached by ClinVar (database versions not stated): gnomAD 0.00001.
gnomAD v4.1: 1 of 1,612,028 alleles (0.000062%); highest among the groups gnomAD compares: Admixed American, 0.0017%; no homozygotes.

Submission:

Labcorp Genetics (formerly Invitae), Labcorp
Classification: Uncertain significance for Neuronopathy, distal hereditary motor, type 7A; Congenital myasthenic syndrome 20. Last evaluated: 2023-11-17. Review status: criteria provided, single submitter. Criteria: Invitae Variant Classification Sherloc (09022015). Collection method: clinical testing. Allele origin: germline.
Comment: This sequence change replaces histidine, which is basic and polar, with glutamine, which is neutral and polar, at codon 4 of the SLC5A7 protein (p.His4Gln). This variant is not present in population databases (gnomAD no frequency). This variant has not been reported in the literature in individuals affected with SLC5A7-related conditions. ClinVar contains an entry for this variant (Variation ID: 1350169). Advanced modeling of protein sequence and biophysical properties (such as structural, functional, and spatial information, amino acid conservation, physicochemical variation, residue mobility, and thermodynamic stability) performed at Invitae indicates that this missense variant is not expected to disrupt SLC5A7 protein function with a negative predictive value of 80%. In summary, the available evidence is currently insufficient to determine the role of this variant in disease. Therefore, it has been classified as a Variant of Uncertain Significance.

NM_021815.5(SLC5A7):c.12T>G (p.His4Gln)

Gene: SLC5A7 (solute carrier family 5 member 7; plus strand). Cytogenetic location: 2q12.3.
Variant type: single nucleotide variant.
Coding change: c.12T>G on transcript NM_021815.5 (MANE Select); coding-DNA position 12, T replaced by G.
Protein change: p.His4Gln; replaces histidine 4 with glutamine.
Molecular consequence: missense variant. On other transcripts: 5 prime UTR variant (1), intron variant (1).
Genome position (GRCh38, 1-based): chr2:107,988,167, T>G. VCF-style: chr2-107988167-T-G. GRCh37 (hg19) VCF-style: chr2-108604623-T-G.
Other names: c.12T>G, p.His4Gln (NM_001305005.3); c.-693T>G (NM_001305007.3); c.-138+1404T>G (NM_001305006.3); short protein forms H4Q.
Identifiers: ClinVar variation 1350169 (VCV001350169.6), dbSNP rs1677318394, ClinGen allele CA348019405.